The following is an entry in ClinVar:

NM_001458.5(FLNC):c.5533A>C (p.Ile1845Leu)

Genes: FLNC-AS1 (FLNC antisense RNA 1; minus strand), FLNC (filamin C; plus strand). Cytogenetic location: 7q32.1.
Variant type: single nucleotide variant.
Coding change: c.5533A>C on transcript NM_001458.5 (MANE Select); coding-DNA position 5533, A replaced by C.
Protein change: p.Ile1845Leu; replaces isoleucine 1845 with leucine.
Molecular consequence: missense variant.
Genome position (GRCh38, 1-based): chr7:128,850,937, A>C. VCF-style: chr7-128850937-A-C. GRCh37 (hg19) VCF-style: chr7-128490991-A-C.
Other names: c.5434A>C, p.Ile1812Leu (NM_001127487.2); short protein forms I1812L, I1845L.
Identifiers: ClinVar variation 4812429 (VCV004812429.1).

ClinVar aggregate classification (germline): Uncertain significance (1 of 4 stars; one submission).

Conditions:
Hypertrophic cardiomyopathy 26. Also called: Cardiomyopathy, familial hypertrophic, 26. Identifiers: Orphanet 75249, MedGen C4310749, MONDO:0014883, OMIM 617047.
Myofibrillar myopathy 5. Also called: Filaminopathy (type); FILAMINOPATHY, AUTOSOMAL DOMINANT. Identifiers: Orphanet 171445, MedGen C1836050, MONDO:0012289, OMIM 609524.
Distal myopathy with posterior leg and anterior hand involvement. Also called: WILLIAMS DISTAL MYOPATHY. Identifiers: Orphanet 63273, MedGen C3279722, MONDO:0013550, OMIM 614065.

Submission:

Labcorp Genetics (formerly Invitae), Labcorp
Classification: Uncertain significance for Distal myopathy with posterior leg and anterior hand involvement; Myofibrillar myopathy 5; Hypertrophic cardiomyopathy 26. Last evaluated: 2026-02-03. Review status: criteria provided, single submitter. Criteria: Invitae Variant Classification Sherloc (09022015). Collection method: clinical testing. Allele origin: germline.
Comment: This sequence change replaces isoleucine, which is neutral and non-polar, with leucine, which is neutral and non-polar, at codon 1845 of the FLNC protein (p.Ile1845Leu). This variant is not present in population databases (gnomAD no frequency). This variant has not been reported in the literature in individuals affected with FLNC-related conditions. Invitae Evidence Modeling of protein sequence and biophysical properties (such as structural, functional, and spatial information, amino acid conservation, physicochemical variation, residue mobility, and thermodynamic stability) has been performed for this missense variant. However, the output from this modeling did not meet the statistical confidence thresholds required to predict the impact of this variant on FLNC protein function. In summary, the available evidence is currently insufficient to determine the role of this variant in disease. Therefore, it has been classified as a Variant of Uncertain Significance.